The following is an entry in ClinVar:

ClinVar aggregate classification (germline): Conflicting classifications of pathogenicity. Review status: criteria provided, conflicting classifications (1 of 4 stars). 2 submissions from 2 submitters: Likely pathogenic (1); Uncertain significance (1). Last evaluated 2023-05-31.

Conditions:
Farber lipogranulomatosis (FRBRL). Also called: AC DEFICIENCY; ACID CERAMIDASE DEFICIENCY; CERAMIDASE DEFICIENCY; N-LAURYLSPHINGOSINE DEACYLASE DEFICIENCY; Farber's lipogranulomatosis; Farber's disease. Identifiers: Orphanet 333, MedGen C0268255, MONDO:0009218, OMIM 228000.

Allele frequency attached by ClinVar (database versions not stated): TOPMed below 0.00001.
gnomAD v4.1: 1 of 1,614,208 alleles (0.000062%); highest among the groups gnomAD compares: Non-Finnish European, 0.000085%; no homozygotes.

Submissions (2):

Labcorp Genetics (formerly Invitae), Labcorp
Classification: Likely pathogenic. Last evaluated: 2023-05-31. Review status: criteria provided, single submitter. Criteria: Invitae Variant Classification Sherloc (09022015). Collection method: clinical testing. Allele origin: germline.
Comment: In summary, the currently available evidence indicates that the variant is pathogenic, but additional data are needed to prove that conclusively. Therefore, this variant has been classified as Likely Pathogenic. Experimental studies have shown that this missense change affects ASAH1 function (PMID: 11241842). This variant is not present in population databases (gnomAD no frequency). Advanced modeling of protein sequence and biophysical properties (such as structural, functional, and spatial information, amino acid conservation, physicochemical variation, residue mobility, and thermodynamic stability) performed at Invitae indicates that this missense variant is expected to disrupt ASAH1 protein function. ClinVar contains an entry for this variant (Variation ID: 812495). This missense change has been observed in individual(s) with Farber disease (PMID: 11241842). In at least one individual the data is consistent with being in trans (on the opposite chromosome) from a pathogenic variant. This sequence change replaces aspartic acid, which is acidic and polar, with asparagine, which is neutral and polar, at codon 331 of the ASAH1 protein (p.Asp331Asn).

Medical Affairs, Dicerna Pharmaceuticals
Classification: Uncertain significance for Farber lipogranulomatosis. Last evaluated: 2019-06-19. Review status: criteria provided, single submitter. Criteria: ACMG Guidelines, 2015. Collection method: literature only. Allele origin: maternal. Inheritance: Autosomal recessive inheritance. Affected: yes. Observed: 1 variant allele.
Comment: Variant c.991G>A has been determined to have uncertain clinical significance. The patient is described in Bar et al., 2001, DOI: 10.1002/humu.5, as an infant with Type 3 or mild Farber disease (Gene Reviews). The variant was identified through cDNA sequencing and was confirmed at the genomic level. Additionally, the variant was inherited from the healthy carrier mother. There is no functional testing of c.991G>A to further determine its pathogenicity. Although this variant has been given uncertain significance, a high degree of clinical suspicion should be used to assess patients who carry this variant for Farber disease symptoms.

Literature cited by the submitters: PubMed 11241842 (cited by Labcorp Genetics (formerly Invitae), Labcorp); DOI 10.1002/humu.5 (cited by Medical Affairs, Dicerna Pharmaceuticals); DOI 10.1007/S004310050867 (cited by Medical Affairs, Dicerna Pharmaceuticals).

NM_177924.5(ASAH1):c.991G>A (p.Asp331Asn)

Gene: ASAH1 (N-acylsphingosine amidohydrolase 1; minus strand). Cytogenetic location: 8p22.
Variant type: single nucleotide variant.
Coding change: c.991G>A on transcript NM_177924.5 (MANE Select); coding-DNA position 991, G replaced by A.
Protein change: p.Asp331Asn; replaces aspartic acid 331 with asparagine.
Molecular consequence: missense variant.
Genome position (GRCh38, 1-based): chr8:18,059,391, C>T on the plus strand (G>A on the coding strand, the complement: ASAH1 is on the minus strand). VCF-style: chr8-18059391-C-T. GRCh37 (hg19) VCF-style: chr8-17916900-C-T.
Other names: c.973G>A, p.Asp325Asn (NM_001127505.3); c.796G>A, p.Asp266Asn (NM_001363743.2); c.1039G>A, p.Asp347Asn (NM_004315.6); short protein forms D266N, D325N, D331N, D347N.
Identifiers: ClinVar variation 812495 (VCV000812495.4), dbSNP rs1354060089, ClinGen allele CA370427406.
Genomic context (GRCh38, chr8:18,059,391, plus strand): 5'-GCAAAGGTACCTCTTGGCTGGTGCGGTTCAGACACATCTTTGCAGGCGTTCTGCGATCAT[C>T]AAGGAAGAAGGGATGTTTCCAACGGTCATAATTTGTTTGTACCACATACCATCTACCCTG-3'
Protein context (NP_808592.2, residues 321-341): YDRWKHPFFL[Asp331Asn]DRRTPAKMCL